The following is an entry in ClinVar:

ClinVar aggregate classification (germline): Benign (1 of 4 stars; one submission).

gnomAD v4.1: 58 of 1,554,120 alleles (0.0037%); highest among the groups gnomAD compares: Admixed American, 0.051%; no homozygotes.

Submission:

Women's Health and Genetics/Laboratory Corporation of America, LabCorp
Classification: Benign. Last evaluated: 2026-05-29. Review status: criteria provided, single submitter. Criteria: LabCorp Variant Classification Summary - May 2015. Collection method: clinical testing. Allele origin: germline.
Comment: Variant summary: BICD2 c.*16G>A is located in the untranslated mRNA region downstream of the termination codon. The variant allele was found at a frequency of 0.00012 in 212862 control chromosomes. The observed variant frequency exceeds the estimated maximal expected allele frequency for disease-causing variants in BICD2. To our knowledge, no occurrence of c.*16G>A in individuals affected with BICD2-related conditions and no experimental evidence demonstrating its impact on protein function have been reported. No submitters have cited clinical-significance assessments for this variant to ClinVar. Based on the evidence outlined above, the variant was classified as benign.

NM_001003800.2(BICD2):c.*16G>A

Gene: BICD2 (BICD cargo adaptor 2; minus strand). Cytogenetic location: 9q22.31.
Variant type: single nucleotide variant.
Coding change: c.*16G>A on transcript NM_001003800.2 (MANE Select); 16 bases downstream of the stop codon, G replaced by A.
Molecular consequence: 3 prime UTR variant. On other transcripts: intron variant (1).
Genome position (GRCh38, 1-based): chr9:92,715,138, C>T on the plus strand (G>A on the coding strand, the complement: BICD2 is on the minus strand). VCF-style: chr9-92715138-C-T. GRCh37 (hg19) VCF-style: chr9-95477420-C-T.
Other names: c.2469+115G>A (NM_015250.4).
Identifiers: ClinVar variation 4853004 (VCV004853004.1).